The following is an entry in ClinVar:

NM_006904.7(PRKDC):c.974A>T (p.Asn325Ile)

Gene: PRKDC (protein kinase, DNA-activated, catalytic subunit; minus strand). Cytogenetic location: 8q11.21.
Variant type: single nucleotide variant.
Coding change: c.974A>T on transcript NM_006904.7 (MANE Select); coding-DNA position 974, A replaced by T.
Protein change: p.Asn325Ile; replaces asparagine 325 with isoleucine.
Molecular consequence: missense variant.
Genome position (GRCh38, 1-based): chr8:47,939,690, T>A on the plus strand (A>T on the coding strand, the complement: PRKDC is on the minus strand). VCF-style: chr8-47939690-T-A. GRCh37 (hg19) VCF-style: chr8-48852250-T-A.
Other names: c.974A>T, p.Asn325Ile (NM_001081640.2); c.974A>T (NM_006904.6); short protein forms N325I.
Identifiers: ClinVar variation 1379294 (VCV001379294.7), dbSNP rs1478254467, ClinGen allele CA371166862.

ClinVar aggregate classification (germline): Uncertain significance. Review status: criteria provided, multiple submitters, no conflicts (2 of 4 stars). 2 submissions from 2 submitters: Uncertain significance (2). Last evaluated 2024-05-15.

Conditions:
Severe combined immunodeficiency due to DNA-PKcs deficiency. Also called: IMMUNODEFICIENCY 26 WITH NEUROLOGIC ABNORMALITIES; Immunodeficiency 26 with or without neurologic abnormalities. Identifiers: Orphanet 317425, MedGen C4014833, MONDO:0014423, OMIM 615966.

gnomAD v4.1: 2 of 1,595,960 alleles (0.00013%); highest among the groups gnomAD compares: Non-Finnish European, 0.00017%; no homozygotes.

Submissions (2):

Labcorp Genetics (formerly Invitae), Labcorp
Classification: Uncertain significance for Severe combined immunodeficiency due to DNA-PKcs deficiency. Last evaluated: 2024-05-15. Review status: criteria provided, single submitter. Criteria: Invitae Variant Classification Sherloc (09022015). Collection method: clinical testing. Allele origin: germline.
Comment: This sequence change replaces asparagine with isoleucine at codon 325 of the PRKDC protein (p.Asn325Ile). The asparagine residue is weakly conserved and there is a large physicochemical difference between asparagine and isoleucine. This variant is not present in population databases (gnomAD no frequency). This variant has not been reported in the literature in individuals affected with PRKDC-related conditions. ClinVar contains an entry for this variant (Variation ID: 1379294). Advanced modeling of protein sequence and biophysical properties (such as structural, functional, and spatial information, amino acid conservation, physicochemical variation, residue mobility, and thermodynamic stability) performed at Invitae indicates that this missense variant is not expected to disrupt PRKDC protein function with a negative predictive value of 80%. In summary, the available evidence is currently insufficient to determine the role of this variant in disease. Therefore, it has been classified as a Variant of Uncertain Significance.

Ambry Genetics
Classification: Uncertain significance. Last evaluated: 2023-12-30. Review status: criteria provided, single submitter. Criteria: Ambry Variant Classification Scheme 2023. Collection method: clinical testing. Allele origin: germline.
Comment: The p.N325I variant (also known as c.974A>T), located in coding exon 11 of the PRKDC gene, results from an A to T substitution at nucleotide position 974. The asparagine at codon 325 is replaced by isoleucine, an amino acid with dissimilar properties. This amino acid position is conserved. In addition, this alteration is predicted to be tolerated by in silico analysis. Since supporting evidence is limited at this time, the clinical significance of this alteration remains unclear.